The following is an entry in ClinVar:

ClinVar aggregate classification (germline): Pathogenic (1 of 4 stars; one submission).

Conditions:
Loeys-Dietz syndrome 4 (LDS4). Also called: TGFB2-Related Loeys-Dietz Syndrome; ANEURYSM, AORTIC AND CEREBRAL, WITH ARTERIAL TORTUOSITY AND SKELETAL MANIFESTATIONS. Identifiers: MedGen C3553762, MONDO:0013897, OMIM 614816.

Submission:

Labcorp Genetics (formerly Invitae), Labcorp
Classification: Pathogenic for Loeys-Dietz syndrome 4. Last evaluated: 2025-04-20. Review status: criteria provided, single submitter. Criteria: Invitae Variant Classification Sherloc (09022015). Collection method: clinical testing. Allele origin: germline.
Comment: This sequence change creates a premature translational stop signal (p.Thr256Profs*12) in the TGFB2 gene. It is expected to result in an absent or disrupted protein product. Loss-of-function variants in TGFB2 are known to be pathogenic (PMID: 22772368, 22772371, 30739908). This variant is not present in population databases (gnomAD no frequency). This variant has not been reported in the literature in individuals affected with TGFB2-related conditions. ClinVar contains an entry for this variant (Variation ID: 2031447). For these reasons, this variant has been classified as Pathogenic.

Literature cited by the submitters: PubMed 22772368; PubMed 22772371; PubMed 30739908.

NM_003238.6(TGFB2):c.765del (p.Thr256fs)

Gene: TGFB2 (transforming growth factor beta 2; plus strand). Cytogenetic location: 1q41.
Variant type: Deletion.
Coding change: c.765del on transcript NM_003238.6 (MANE Select); coding-DNA position 765, one base deleted (C; older notation c.765delC).
Protein change: p.Thr256fs; shifts the reading frame from threonine 256.
Molecular consequence: frameshift variant.
Genome position (GRCh38, 1-based): chr1:218,435,980, C deleted. VCF-style (leftmost placement, unchanged base first): chr1-218435979-GC-G. GRCh37 (hg19) VCF-style: chr1-218609321-GC-G.
Other names: c.849del, p.Thr284fs (NM_001135599.4); short protein forms T284fs, T256fs.
Identifiers: ClinVar variation 2031447 (VCV002031447.4), dbSNP rs2464871402, ClinGen allele CA2580062186.